The following is an entry in ClinVar:

NM_006978.3(RNF113A):c.817G>A (p.Val273Ile)

Gene: RNF113A (ring finger protein 113A; minus strand). Cytogenetic location: Xq24.
Variant type: single nucleotide variant.
Coding change: c.817G>A on transcript NM_006978.3 (MANE Select); coding-DNA position 817, G replaced by A.
Protein change: p.Val273Ile; replaces valine 273 with isoleucine.
Molecular consequence: missense variant.
Genome position (GRCh38, 1-based): chrX:119,870,797, C>T on the plus strand (G>A on the coding strand, the complement: RNF113A is on the minus strand). VCF-style: chrX-119870797-C-T. GRCh37 (hg19) VCF-style: chrX-119004760-C-T.
Other names: c.817G>A (NM_006978.2); short protein forms V273I.
Identifiers: ClinVar variation 1360400 (VCV001360400.9), dbSNP rs949934343, ClinGen allele CA334109917.

ClinVar aggregate classification (germline): Uncertain significance. Review status: criteria provided, multiple submitters, no conflicts (2 of 4 stars). 2 submissions from 2 submitters: Uncertain significance (2). Last evaluated 2025-06-04.

Allele frequency attached by ClinVar (database versions not stated): gnomAD 0.00001; gnomAD exomes 0.00001 and 0.00004; TOPMed 0.00005.
gnomAD v4.1: 38 of 1,210,049 alleles (0.0031%); highest among the groups gnomAD compares: Non-Finnish European, 0.0042%; no homozygotes.

Submissions (2):

Labcorp Genetics (formerly Invitae), Labcorp
Classification: Uncertain significance. Last evaluated: 2025-06-04. Review status: criteria provided, single submitter. Criteria: Invitae Variant Classification Sherloc (09022015). Collection method: clinical testing. Allele origin: germline.
Comment: This sequence change replaces valine, which is neutral and non-polar, with isoleucine, which is neutral and non-polar, at codon 273 of the RNF113A protein (p.Val273Ile). This variant is present in population databases (no rsID available, gnomAD 0.001%). This variant has not been reported in the literature in individuals affected with RNF113A-related conditions. ClinVar contains an entry for this variant (Variation ID: 1360400). Invitae Evidence Modeling of protein sequence and biophysical properties (such as structural, functional, and spatial information, amino acid conservation, physicochemical variation, residue mobility, and thermodynamic stability) indicates that this missense variant is not expected to disrupt RNF113A protein function with a negative predictive value of 80%. In summary, the available evidence is currently insufficient to determine the role of this variant in disease. Therefore, it has been classified as a Variant of Uncertain Significance.

Ambry Genetics
Classification: Uncertain significance. Last evaluated: 2025-01-28. Review status: criteria provided, single submitter. Criteria: Ambry Variant Classification Scheme 2023. Collection method: clinical testing. Allele origin: germline.